The following is an entry in ClinVar:

ClinVar aggregate classification (germline): Uncertain significance (1 of 4 stars; one submission).

Conditions:
Charcot-Marie-Tooth disease dominant intermediate B (CMTDIB). Also called: Charcot-Marie-Tooth disease dominant intermediate 1; CMT DI1; Charcot-Marie-Tooth disease dominant intermediate I; CHARCOT-MARIE-TOOTH NEUROPATHY, DOMINANT INTERMEDIATE B. Identifiers: Orphanet 100044, Orphanet 228179, MedGen C1847902, MONDO:0011674, OMIM 606482.

Submission:

Labcorp Genetics (formerly Invitae), Labcorp
Classification: Uncertain significance for Charcot-Marie-Tooth disease dominant intermediate B. Last evaluated: 2021-11-02. Review status: criteria provided, single submitter. Criteria: Invitae Variant Classification Sherloc (09022015). Collection method: clinical testing. Allele origin: germline.
Comment: This sequence change replaces aspartic acid, which is acidic and polar, with histidine, which is basic and polar, at codon 147 of the DNM2 protein (p.Asp147His). This variant is not present in population databases (gnomAD no frequency). This variant has not been reported in the literature in individuals affected with DNM2-related conditions. This missense change has been observed in at least one individual who was not affected with DNM2-related conditions (Invitae). Algorithms developed to predict the effect of missense changes on protein structure and function (SIFT, PolyPhen-2, Align-GVGD) all suggest that this variant is likely to be disruptive. In summary, the available evidence is currently insufficient to determine the role of this variant in disease. Therefore, it has been classified as a Variant of Uncertain Significance.

NM_001005361.3(DNM2):c.439G>C (p.Asp147His)

Gene: DNM2 (dynamin 2; plus strand). Cytogenetic location: 19p13.2.
Variant type: single nucleotide variant.
Coding change: c.439G>C on transcript NM_001005361.3 (MANE Select); coding-DNA position 439, G replaced by C.
Protein change: p.Asp147His; replaces aspartic acid 147 with histidine.
Molecular consequence: missense variant.
Genome position (GRCh38, 1-based): chr19:10,775,756, G>C. VCF-style: chr19-10775756-G-C. GRCh37 (hg19) VCF-style: chr19-10886432-G-C.
Other names: c.439G>C, p.Asp147His (NM_001005360.3, NM_001005362.3, NM_001190716.2 and 1 more transcripts); short protein forms D147H.
Identifiers: ClinVar variation 1381351 (VCV001381351.6), dbSNP rs370086632, ClinGen allele CA404042537.